The following is an entry in ClinVar:

NM_001365951.3(KIF1B):c.3395A>C (p.Glu1132Ala)

Gene: KIF1B (kinesin family member 1B; plus strand). Cytogenetic location: 1p36.22.
Variant type: single nucleotide variant.
Coding change: c.3395A>C on transcript NM_001365951.3 (MANE Select); coding-DNA position 3395, A replaced by C.
Protein change: p.Glu1132Ala; replaces glutamic acid 1132 with alanine.
Molecular consequence: missense variant.
Genome position (GRCh38, 1-based): chr1:10,337,506, A>C. VCF-style: chr1-10337506-A-C. GRCh37 (hg19) VCF-style: chr1-10397564-A-C.
Other names: c.3395A>C, p.Glu1132Ala (NM_001365952.1); c.3257A>C, p.Glu1086Ala (NM_015074.3); short protein forms E1086A, E1132A.
Identifiers: ClinVar variation 1729470 (VCV001729470.2), dbSNP rs2521722334, ClinGen allele CA338340701.

ClinVar aggregate classification (germline): Uncertain significance (1 of 4 stars; one submission).

Allele frequency attached by ClinVar (database versions not stated): gnomAD exomes below 0.00001.
gnomAD v4.1: 1 of 1,614,212 alleles (0.000062%); highest among the groups gnomAD compares: Non-Finnish European, 0.000085%; no homozygotes.

Submission:

Ambry Genetics
Classification: Uncertain significance. Last evaluated: 2022-01-04. Review status: criteria provided, single submitter. Criteria: Ambry Variant Classification Scheme 2023. Collection method: clinical testing. Allele origin: germline.
Comment: The p.E1086A variant (also known as c.3257A>C), located in coding exon 28 of the KIF1B gene, results from an A to C substitution at nucleotide position 3257. The glutamic acid at codon 1086 is replaced by alanine, an amino acid with dissimilar properties. This amino acid position is highly conserved in available vertebrate species. In addition, this alteration is predicted to be deleterious by in silico analysis. Since supporting evidence is limited at this time, the clinical significance of this alteration remains unclear.